The following is an entry in ClinVar:

NM_001042492.3(NF1):c.7869+1G>T

Gene: NF1 (neurofibromin 1; plus strand). Cytogenetic location: 17q11.2.
Variant type: single nucleotide variant.
Coding change: c.7869+1G>T on transcript NM_001042492.3 (MANE Select); the canonical splice donor site of the intron after coding-DNA position 7869, G replaced by T.
Molecular consequence: splice donor variant.
Genome position (GRCh38, 1-based): chr17:31,357,091, G>T. VCF-style: chr17-31357091-G-T. GRCh37 (hg19) VCF-style: chr17-29684109-G-T.
Other names: c.7806+1G>T (NM_000267.4).
Identifiers: ClinVar variation 3404599 (VCV003404599.1).

ClinVar aggregate classification (germline): Likely pathogenic (1 of 4 stars; one submission).

Conditions:
Hereditary cancer-predisposing syndrome. Also called: Hereditary Cancer Syndrome; Tumor predisposition; Hereditary neoplastic syndrome; Neoplastic Syndromes, Hereditary. Identifiers: Orphanet 140162, MedGen C0027672, MeSH D009386, MONDO:0015356.
Cardiovascular phenotype. Identifiers: MedGen CN230736.

gnomAD v4.1: 1 of 1,613,292 alleles (0.000062%); highest among the groups gnomAD compares: Non-Finnish European, 0.000085%; no homozygotes.

Submission:

Ambry Genetics
Classification: Likely pathogenic for Cardiovascular phenotype; Hereditary cancer-predisposing syndrome. Last evaluated: 2024-09-30. Review status: criteria provided, single submitter. Criteria: Ambry Variant Classification Scheme 2023. Collection method: clinical testing. Allele origin: germline.
Comment: The c.7806+1G>T intronic variant results from a G to T substitution one nucleotide after coding exon 52 of the NF1 gene. This variant was detected in multiple individuals with a clinical diagnosis or suspicion of neurofibromatosis type 1 (Ars E et al. J Med Genet, 2003 Jun;40:e82; Ambry internal data). Another alteration impacting the same donor site (c.7806+1G>A) was reported in multiple individuals with features consistent with neurofibromatosis type 1 (Zhang J et al. Sci Rep, 2015 Jun;5:11291; Cannon A et al. Orphanet J Rare Dis, 2018 Feb;13:31; Melloni G et al. Cancers (Basel), 2019 Nov;11:). c.7806+1G>T is considered to be rare based on population cohorts in the Genome Aggregation Database (gnomAD). This nucleotide position is highly conserved in available vertebrate species. In silico splice site analysis predicts that this alteration will weaken the native splice donor site; however, direct evidence is insufficient at this time (Ambry internal data). Alterations that disrupt the canonical splice site are expected to cause aberrant splicing, resulting in an abnormal protein or a transcript that is subject to nonsense-mediated mRNA decay. As such, this alteration is classified as likely pathogenic.

Literature cited by the submitters: PubMed 12807981.